The following is an entry in ClinVar:

NM_024675.4(PALB2):c.3422A>G (p.Asp1141Gly)

Gene: PALB2 (partner and localizer of BRCA2; minus strand). Cytogenetic location: 16p12.2.
Variant type: single nucleotide variant.
Coding change: c.3422A>G on transcript NM_024675.4 (MANE Select); coding-DNA position 3422, A replaced by G.
Protein change: p.Asp1141Gly; replaces aspartic acid 1141 with glycine.
Molecular consequence: missense variant.
Genome position (GRCh38, 1-based): chr16:23,603,598, T>C on the plus strand (A>G on the coding strand, the complement: PALB2 is on the minus strand). VCF-style: chr16-23603598-T-C. GRCh37 (hg19) VCF-style: chr16-23614919-T-C.
Other names: c.3362A>G, p.Asp1121Gly (NM_001407296.1); c.3350A>G, p.Asp1117Gly (NM_001407297.1); c.3260A>G, p.Asp1087Gly (NM_001407298.1); c.3185A>G, p.Asp1062Gly (NM_001407299.1); c.3143A>G, p.Asp1048Gly (NM_001407300.1); c.*57A>G (NM_001407301.1, NM_001407302.1, NM_001407310.1 and 2 more transcripts); c.2537A>G, p.Asp846Gly (NM_001407304.1, NM_001407305.1, NM_001407306.1); c.2375A>G, p.Asp792Gly (NM_001407307.1); and 3 more; short protein forms D1087G, D1121G, D1141G, D1048G, D545G, D767G, D792G, D846G.
Identifiers: ClinVar variation 1731284 (VCV001731284.3), dbSNP rs2142254190, ClinGen allele CA395138206.

ClinVar aggregate classification (germline): Uncertain significance (1 of 4 stars; one submission).

Conditions:
Hereditary cancer-predisposing syndrome. Also called: Neoplastic Syndromes, Hereditary; Tumor predisposition; Hereditary Cancer Syndrome; Hereditary neoplastic syndrome. Identifiers: Orphanet 140162, MedGen C0027672, MeSH D009386, MONDO:0015356.

Submission:

Ambry Genetics
Classification: Uncertain significance for Hereditary cancer-predisposing syndrome. Last evaluated: 2025-10-09. Review status: criteria provided, single submitter. Criteria: Ambry Variant Classification Scheme 2023. Collection method: clinical testing. Allele origin: germline.
Comment: The p.D1141G variant (also known as c.3422A>G), located in coding exon 13 of the PALB2 gene, results from an A to G substitution at nucleotide position 3422. The aspartic acid at codon 1141 is replaced by glycine, an amino acid with similar properties. This amino acid position is conserved. In addition, the in silico prediction for this alteration is inconclusive. Since supporting evidence is limited at this time, the clinical significance of this alteration remains unclear.